The following is an entry in ClinVar:

NM_001080477.4(TENM3):c.7214-1G>A

Gene: TENM3 (teneurin transmembrane protein 3; plus strand). Cytogenetic location: 4q35.1.
Variant type: single nucleotide variant.
Coding change: c.7214-1G>A on transcript NM_001080477.4 (MANE Select); the canonical splice acceptor site of the intron before coding-DNA position 7214, G replaced by A.
Molecular consequence: splice acceptor variant.
Genome position (GRCh38, 1-based): chr4:182,796,636, G>A. VCF-style: chr4-182796636-G-A. GRCh37 (hg19) VCF-style: chr4-183717789-G-A.
Other names: c.7235-1G>A (NM_001415969.1, NM_001415970.1); c.7214-1G>A (NM_001415971.1, NM_001415973.1); c.7211-1G>A (NM_001415974.1, NM_001415975.1); c.6935-1G>A (NM_001415976.1, NM_001415977.1); c.7232-1G>A (NM_001415968.1); c.6956-1G>A (NM_001415967.1); c.6932-1G>A (NM_001415966.1); c.6446-1G>A (NM_001415960.1); and 4 more.
Identifiers: ClinVar variation 4734830 (VCV004734830.1).
Genomic context (GRCh38, chr4:182,796,636, plus strand): 5'-TAAATTTATGAAAGGACAAAACAAACTCCAACACCTTTCATTCTGAACATTCTTCTCCTA[G>A]ATGTTAACAGCTGGCTGGTGACATTTGGTTTCCATCTGCACAATGCTATTCCTGGATTCC-3'

ClinVar aggregate classification (germline): Likely pathogenic (1 of 4 stars; one submission).

gnomAD v4.1: 1 of 1,604,434 alleles (0.000062%); highest among the groups gnomAD compares: African/African-American, 0.0013%; no homozygotes.

Submission:

Labcorp Genetics (formerly Invitae), Labcorp
Classification: Likely pathogenic. Last evaluated: 2026-01-06. Review status: criteria provided, single submitter. Criteria: Invitae Variant Classification Sherloc (09022015). Collection method: clinical testing. Allele origin: germline.
Comment: This sequence change affects an acceptor splice site in intron 26 of the TENM3 gene. It is expected to disrupt RNA splicing. Variants that disrupt the donor or acceptor splice site typically lead to a loss of protein function (PMID: 16199547), and loss-of-function variants in TENM3 are known to be pathogenic (PMID: 22766609, 27103084, 30513139). This variant is not present in population databases (gnomAD no frequency). This variant has not been reported in the literature in individuals affected with TENM3-related conditions. Algorithms developed to predict the effect of sequence changes on RNA splicing suggest that this variant may disrupt the consensus splice site. In summary, the currently available evidence indicates that the variant is pathogenic, but additional data are needed to prove that conclusively. Therefore, this variant has been classified as Likely Pathogenic.

Literature cited by the submitters: PubMed 16199547; PubMed 22766609; PubMed 27103084; PubMed 30513139.